The following is an entry in ClinVar:

NM_000231.3(SGCG):c.-1+5G>A

Gene: SGCG (sarcoglycan gamma; plus strand). Cytogenetic location: 13q12.12.
Variant type: single nucleotide variant.
Coding change: c.-1+5G>A on transcript NM_000231.3 (MANE Select); 5 bases into the intron after 1 bases upstream of the start codon, G replaced by A.
Molecular consequence: intron variant.
Genome position (GRCh38, 1-based): chr13:23,181,080, G>A. VCF-style: chr13-23181080-G-A. GRCh37 (hg19) VCF-style: chr13-23755219-G-A.
Other names: c.54+20434G>A (NM_001378244.1); c.-152+97G>A (NM_001378245.1); c.-152+5G>A (NM_001378246.1).
Identifiers: ClinVar variation 2416024 (VCV002416024.9), dbSNP rs1394135402, ClinGen allele CA696632990.

ClinVar aggregate classification (germline): Uncertain significance. Review status: criteria provided, multiple submitters, no conflicts (2 of 4 stars). 3 submissions from 3 submitters: Uncertain significance (3). Last evaluated 2025-02-03.

Conditions:
Autosomal recessive limb-girdle muscular dystrophy type 2C (LGMDR5). Also called: MUSCULAR DYSTROPHY, LIMB-GIRDLE, AUTOSOMAL RECESSIVE 5; MUSCULAR DYSTROPHY, DUCHENNE-LIKE. Identifiers: Orphanet 353, MedGen C0410173, MONDO:0009677, OMIM 253700. Disease mechanism: Affects gamma-sarcoglycan and also disrupts the integrity of the entire sarcoglycan complex..

Allele frequency attached by ClinVar (database versions not stated): gnomAD 0.00001.
gnomAD v4.1: 2 of 152,136 alleles (0.0013%); highest among the groups gnomAD compares: Non-Finnish European, 0.0029%; no homozygotes.

Submissions (3):

Women's Health and Genetics/Laboratory Corporation of America, LabCorp
Classification: Uncertain significance. Last evaluated: 2025-02-03. Review status: criteria provided, single submitter. Criteria: LabCorp Variant Classification Summary - May 2015. Collection method: clinical testing. Allele origin: germline.
Comment: Variant summary: Several computational tools predict a significant impact on normal splicing: Three predict the variant weakens a 5' donor site. However, these predictions have yet to be confirmed by functional studies. The variant was absent in 152136 control chromosomes. The available data on variant occurrences in the general population are insufficient to allow any conclusion about variant significance. c.-1+5G>A has been reported in the literature in unspecified individual(s) affected with Limb-Girdle Muscular Dystrophy, Autosomal Recessive (Alonso-Prez_2020). These report(s) do not provide unequivocal conclusions about association of the variant with Limb-Girdle Muscular Dystrophy, Autosomal Recessive. To our knowledge, no experimental evidence demonstrating an impact on protein function has been reported. The following publication have been ascertained in the context of this evaluation (PMID: 32875335). ClinVar contains an entry for this variant (Variation ID: 2416024). Based on the evidence outlined above, the variant was classified as uncertain significance.

Blueprint Genetics
Classification: Uncertain significance. Last evaluated: 2024-01-25. Review status: criteria provided, single submitter. Criteria: ACMG Guidelines, 2015. Collection method: clinical testing. Allele origin: germline.

Labcorp Genetics (formerly Invitae), Labcorp
Classification: Uncertain significance for Autosomal recessive limb-girdle muscular dystrophy type 2C. Last evaluated: 2022-04-13. Review status: criteria provided, single submitter. Criteria: Invitae Variant Classification Sherloc (09022015). Collection method: clinical testing. Allele origin: germline.
Comment: This variant occurs in a non-coding region of the SGCG gene. It does not change the encoded amino acid sequence of the SGCG protein. It affects a nucleotide within the consensus splice site. This variant is not present in population databases (gnomAD no frequency). This variant has been observed in individual(s) with clinical features of limb-girdle muscular dystrophy (PMID: 32875335). Variants that disrupt the consensus splice site are a relatively common cause of aberrant splicing (PMID: 17576681, 9536098). Algorithms developed to predict the effect of sequence changes on RNA splicing suggest that this variant may disrupt the consensus splice site. In summary, the available evidence is currently insufficient to determine the role of this variant in disease. Therefore, it has been classified as a Variant of Uncertain Significance.

Literature cited by the submitters: PubMed 32875335 (cited by Women's Health and Genetics/Laboratory Corporation of America, LabCorp and Labcorp Genetics (formerly Invitae), Labcorp); PubMed 17576681 (cited by Labcorp Genetics (formerly Invitae), Labcorp); PubMed 9536098 (cited by Labcorp Genetics (formerly Invitae), Labcorp).